The following is an entry in ClinVar:

ClinVar aggregate classification (germline): Conflicting classifications of pathogenicity. Review status: criteria provided, conflicting classifications (1 of 4 stars). 5 submissions from 5 submitters: Uncertain significance (4); Likely benign (1). Last evaluated 2025-10-07.

Conditions:
Inborn genetic diseases. Identifiers: MedGen C0950123, MeSH D030342.
Hyperphosphatasia with impaired intellectual development syndrome 1. Also called: MABRY SYNDROME; Hyperphosphatasia with intellectual disability syndrome 1; GLYCOSYLPHOSPHATIDYLINOSITOL BIOSYNTHESIS DEFECT 2. Identifiers: Orphanet 247262, MedGen C4551502, MONDO:0009398, OMIM 239300.

Allele frequency attached by ClinVar (database versions not stated): gnomAD exomes 0.00003 and 0.00008; 1000 Genomes Project 0.00060; ExAC 0.00008; gnomAD 0.00047 and 0.00051; 1000 Genomes Project 30x 0.00047; TOPMed 0.00057; ESP Exome Variant Server 0.00046.
gnomAD v4.1: 114 of 1,614,212 alleles (0.0071%); highest among the groups gnomAD compares: African/African-American, 0.14%; no homozygotes.

Submissions (5):

Labcorp Genetics (formerly Invitae), Labcorp
Classification: Likely benign. Last evaluated: 2025-10-07. Review status: criteria provided, single submitter. Criteria: Invitae Variant Classification Sherloc (09022015). Collection method: clinical testing. Allele origin: germline.

Ambry Genetics
Classification: Uncertain significance for Inborn genetic diseases. Last evaluated: 2024-08-07. Review status: criteria provided, single submitter. Criteria: Ambry Variant Classification Scheme 2023. Collection method: clinical testing. Allele origin: germline.

Greenwood Genetic Center Diagnostic Laboratories, Greenwood Genetic Center
Classification: Uncertain significance. Last evaluated: 2023-05-08. Review status: criteria provided, single submitter. Criteria: ACMG Guidelines, 2015. Collection method: clinical testing. Allele origin: germline. Affected: yes.
Comment: PM2

GeneDx
Classification: Uncertain significance. Last evaluated: 2020-12-15. Review status: criteria provided, single submitter. Criteria: GeneDx Variant Classification Process June 2021. Collection method: clinical testing. Allele origin: germline. Affected: yes.
Comment: In silico analysis, which includes protein predictors and evolutionary conservation, supports that this variant does not alter protein structure/function; Has not been previously published as pathogenic or benign to our knowledge

Baylor Genetics
Classification: Uncertain significance for Hyperphosphatasia with impaired intellectual development syndrome 1. Last evaluated: 2018-11-08. Review status: criteria provided, single submitter. Criteria: ACMG Guidelines, 2015. Collection method: clinical testing. Allele origin: unknown. Affected: yes.
Comment: This variant was determined to be of uncertain significance according to ACMG Guidelines, 2015 [PMID:25741868].

NM_017837.4(PIGV):c.872A>G (p.Asn291Ser)

Gene: PIGV (phosphatidylinositol glycan anchor biosynthesis class V; plus strand). Cytogenetic location: 1p36.11.
Variant type: single nucleotide variant.
Coding change: c.872A>G on transcript NM_017837.4 (MANE Select); coding-DNA position 872, A replaced by G.
Protein change: p.Asn291Ser; replaces asparagine 291 with serine.
Molecular consequence: missense variant. On other transcripts: non-coding transcript variant (1), intron variant (1).
Genome position (GRCh38, 1-based): chr1:26,794,906, A>G. VCF-style: chr1-26794906-A-G. GRCh37 (hg19) VCF-style: chr1-27121397-A-G.
Other names: c.872A>G, p.Asn291Ser (NM_001202554.2, NM_001374478.1, NM_001374480.1 and 2 more transcripts); c.491A>G, p.Asn164Ser (NM_001374483.1); c.245A>G, p.Asn82Ser (NM_001374484.1, NM_001374485.1); c.79-2657A>G (NM_001374486.1); short protein forms N291S, N164S, N82S.
Identifiers: ClinVar variation 378366 (VCV000378366.10), dbSNP rs147396061, ClinGen allele CA708132.